The following is an entry in ClinVar:

NM_139076.3(ABRAXAS1):c.520T>C (p.Ser174Pro)

Gene: ABRAXAS1 (abraxas 1, BRCA1 A complex subunit; minus strand). Cytogenetic location: 4q21.23.
Variant type: single nucleotide variant.
Coding change: c.520T>C on transcript NM_139076.3 (MANE Select); coding-DNA position 520, T replaced by C.
Protein change: p.Ser174Pro; replaces serine 174 with proline.
Molecular consequence: missense variant.
Genome position (GRCh38, 1-based): chr4:83,469,108, A>G on the plus strand (T>C on the coding strand, the complement: ABRAXAS1 is on the minus strand). VCF-style: chr4-83469108-A-G. GRCh37 (hg19) VCF-style: chr4-84390261-A-G.
Other names: c.193T>C, p.Ser65Pro (NM_001345962.2); short protein forms S174P, S65P.
Identifiers: ClinVar variation 3229151 (VCV003229151.1), dbSNP rs750293085, ClinGen allele CA357259561.

ClinVar aggregate classification (germline): Uncertain significance (1 of 4 stars; one submission).

gnomAD v4.1: 1 of 1,614,042 alleles (0.000062%); highest among the groups gnomAD compares: Non-Finnish European, 0.000085%; no homozygotes.

Submission:

Ambry Genetics
Classification: Uncertain significance. Last evaluated: 2023-12-21. Review status: criteria provided, single submitter. Criteria: Ambry Variant Classification Scheme 2023. Collection method: clinical testing. Allele origin: germline.
Comment: The p.S174P variant (also known as c.520T>C), located in coding exon 6 of the FAM175A gene, results from a T to C substitution at nucleotide position 520. The serine at codon 174 is replaced by proline, an amino acid with similar properties. This amino acid position is conserved. In addition, this alteration is predicted to be tolerated by in silico analysis. Since supporting evidence is limited at this time, the clinical significance of this alteration remains unclear.